The following is an entry in ClinVar:

NM_206933.4(USH2A):c.4987+5G>C

Genes: USH2A (usherin; minus strand), USH2A-AS2 (USH2A antisense RNA 2; plus strand). Cytogenetic location: 1q41.
Variant type: single nucleotide variant.
Coding change: c.4987+5G>C on transcript NM_206933.4 (MANE Select); 5 bases into the intron after coding-DNA position 4987, G replaced by C.
Molecular consequence: intron variant.
Genome position (GRCh38, 1-based): chr1:216,086,714, C>G on the plus strand (G>C on the coding strand, the complement: USH2A is on the minus strand). VCF-style: chr1-216086714-C-G. GRCh37 (hg19) VCF-style: chr1-216260056-C-G.
Identifiers: ClinVar variation 1004668 (VCV001004668.6), dbSNP rs2032145172, ClinGen allele CA1220549803.

ClinVar aggregate classification (germline): Uncertain significance (1 of 4 stars; one submission).

Submission:

Labcorp Genetics (formerly Invitae), Labcorp
Classification: Uncertain significance. Last evaluated: 2021-01-12. Review status: criteria provided, single submitter. Criteria: Invitae Variant Classification Sherloc (09022015). Collection method: clinical testing. Allele origin: germline.
Comment: In summary, the available evidence is currently insufficient to determine the role of this variant in disease. Therefore, it has been classified as a Variant of Uncertain Significance. Nucleotide substitutions within the consensus splice site are a relatively common cause of aberrant splicing (PMID: 17576681, 9536098). Algorithms developed to predict the effect of sequence changes on RNA splicing suggest that this variant may disrupt the consensus splice site, but this prediction has not been confirmed by published transcriptional studies. This variant has not been reported in the literature in individuals with USH2A-related conditions. This variant is not present in population databases (ExAC no frequency). This sequence change falls in intron 24 of the USH2A gene. It does not directly change the encoded amino acid sequence of the USH2A protein, but it affects a nucleotide within the consensus splice site of the intron.

Literature cited by the submitters: PubMed 17576681; PubMed 9536098.